The following is an entry in ClinVar:

ClinVar aggregate classification (germline): Uncertain significance (1 of 4 stars; one submission).

Conditions:
Symmetrical dyschromatosis of extremities (DSH). Also called: RETICULATE ACROPIGMENTATION OF DOHI; DYSCHROMATOSIS SYMMETRICA HEREDITARIA 1; SYMMETRIC DYSCHROMATOSIS OF THE EXTREMITIES; Dyschromatosis symmetrica hereditaria. Identifiers: Orphanet 41, MedGen C0406775, MONDO:0007483, OMIM 127400.
Aicardi-Goutieres syndrome 6 (AGS6). Identifiers: Orphanet 51, MedGen C3539013, MONDO:0014007, OMIM 615010.

Submission:

Labcorp Genetics (formerly Invitae), Labcorp
Classification: Uncertain significance for Aicardi-Goutieres syndrome 6; Symmetrical dyschromatosis of extremities. Last evaluated: 2024-06-03. Review status: criteria provided, single submitter. Criteria: Invitae Variant Classification Sherloc (09022015). Collection method: clinical testing. Allele origin: germline.
Comment: This sequence change creates a premature translational stop signal (p.Trp1211*) in the ADAR gene. While this is not anticipated to result in nonsense mediated decay, it is expected to disrupt the last 16 amino acid(s) of the ADAR protein. This variant is not present in population databases (gnomAD no frequency). This variant has not been reported in the literature in individuals affected with ADAR-related conditions. In summary, the available evidence is currently insufficient to determine the role of this variant in disease. Therefore, it has been classified as a Variant of Uncertain Significance.

NM_001111.5(ADAR):c.3633del (p.Asn1210_Trp1211insTer)

Gene: ADAR (adenosine deaminase RNA specific; minus strand). Cytogenetic location: 1q21.3.
Variant type: Deletion.
Coding change: c.3633del on transcript NM_001111.5 (MANE Select); coding-DNA position 3633, one base deleted (G; older notation c.3633delG).
Protein change: p.Asn1210_Trp1211insTer.
Molecular consequence: nonsense.
Genome position (GRCh38, 1-based): chr1:154,584,854, C deleted on the plus strand (G on the coding strand, the reverse complement: ADAR is on the minus strand); the first of 2 consecutive C bases (chr1:154,584,854-154,584,855); deleting either gives the same sequence. VCF-style (leftmost placement, unchanged base first): chr1-154584853-TC-T. GRCh37 (hg19) VCF-style: chr1-154557329-TC-T.
Other names: c.2748del, p.Asn915_Trp916insTer (NM_001025107.3, NM_001193495.2, NM_001365046.1 and 2 more transcripts); c.3660del, p.Asn1219_Trp1220insTer (NM_001365045.1); c.2670del, p.Asn889_Trp890insTer (NM_001365049.1); c.3555del, p.Asn1184_Trp1185insTer (NM_015840.4); c.3498del, p.Asn1165_Trp1166insTer (NM_015841.4).
Identifiers: ClinVar variation 2953399 (VCV002953399.3), dbSNP rs2526442907, ClinGen allele CA2740090375.